The following is an entry in ClinVar:

NM_001083926.2(ASRGL1):c.551C>A (p.Thr184Asn)

Gene: ASRGL1 (asparaginase and isoaspartyl peptidase 1; plus strand). Cytogenetic location: 11q12.3.
Variant type: single nucleotide variant.
Coding change: c.551C>A on transcript NM_001083926.2 (MANE Select); coding-DNA position 551, C replaced by A.
Protein change: p.Thr184Asn; replaces threonine 184 with asparagine.
Molecular consequence: missense variant.
Genome position (GRCh38, 1-based): chr11:62,389,192, C>A. VCF-style: chr11-62389192-C-A. GRCh37 (hg19) VCF-style: chr11-62156664-C-A.
Other names: c.551C>A, p.Thr184Asn (NM_025080.4); short protein forms T184N.
Identifiers: ClinVar variation 1932687 (VCV001932687.5), dbSNP rs1323566087, ClinGen allele CA380870375.

ClinVar aggregate classification (germline): Uncertain significance (1 of 4 stars; one submission).

Allele frequency attached by ClinVar (database versions not stated): gnomAD exomes 0.00001.
gnomAD v4.1: 3 of 1,614,160 alleles (0.00019%); highest among the groups gnomAD compares: Admixed American, 0.0033%; no homozygotes.

Submission:

Labcorp Genetics (formerly Invitae), Labcorp
Classification: Uncertain significance. Last evaluated: 2022-04-23. Review status: criteria provided, single submitter. Criteria: Invitae Variant Classification Sherloc (09022015). Collection method: clinical testing. Allele origin: germline.
Comment: In summary, the available evidence is currently insufficient to determine the role of this variant in disease. Therefore, it has been classified as a Variant of Uncertain Significance. Algorithms developed to predict the effect of missense changes on protein structure and function (SIFT, PolyPhen-2, Align-GVGD) all suggest that this variant is likely to be disruptive. This variant has not been reported in the literature in individuals affected with ASRGL1-related conditions. This variant is present in population databases (no rsID available, gnomAD 0.006%). This sequence change replaces threonine, which is neutral and polar, with asparagine, which is neutral and polar, at codon 184 of the ASRGL1 protein (p.Thr184Asn).